The following is an entry in ClinVar:

NM_000053.4(ATP7B):c.3258G>C (p.Glu1086Asp)

Gene: ATP7B (ATPase copper transporting beta; minus strand). Cytogenetic location: 13q14.3.
Variant type: single nucleotide variant.
Coding change: c.3258G>C on transcript NM_000053.4 (MANE Select); coding-DNA position 3258, G replaced by C.
Protein change: p.Glu1086Asp; replaces glutamic acid 1086 with aspartic acid.
Molecular consequence: missense variant.
Genome position (GRCh38, 1-based): chr13:51,942,540, C>G on the plus strand (G>C on the coding strand, the complement: ATP7B is on the minus strand). VCF-style: chr13-51942540-C-G. GRCh37 (hg19) VCF-style: chr13-52516676-C-G.
Other names: c.2637G>C, p.Glu879Asp (NM_001005918.3); c.2925G>C, p.Glu975Asp (NM_001243182.2); c.3024G>C, p.Glu1008Asp (NM_001330578.2, NM_001406527.1, NM_001406528.1 and 1 more transcripts); c.3006G>C, p.Glu1002Asp (NM_001330579.2, NM_001406531.1, NM_001406532.1); c.3258G>C, p.Glu1086Asp (NM_001406511.1, NM_001406512.1, NM_001406526.1); c.3252G>C, p.Glu1084Asp (NM_001406513.1); c.3225G>C, p.Glu1075Asp (NM_001406514.1); c.3204G>C, p.Glu1068Asp (NM_001406515.1, NM_001406516.1); and 19 more; short protein forms E1002D, E1006D, E1008D, E1021D, E1025D, E1027D, E1038D, E1041D.
Identifiers: ClinVar variation 3073800 (VCV003073800.1), dbSNP rs2547613878, ClinGen allele CA388028926.

ClinVar aggregate classification (germline): Uncertain significance (1 of 4 stars; one submission).

Conditions:
Wilson disease (WND). Also called: Wilson's disease. Identifiers: Orphanet 905, MedGen C0019202, MONDO:0010200, OMIM 277900. Disease mechanism: loss of function.

gnomAD v4.1: 6 of 1,614,078 alleles (0.00037%); highest among the groups gnomAD compares: Non-Finnish European, 0.00051%; no homozygotes.

Submission:

All of Us Research Program, National Institutes of Health
Classification: Uncertain significance for Wilson disease. Last evaluated: 2023-10-06. Review status: criteria provided, single submitter. Criteria: ACMG Guidelines, 2015. Collection method: clinical testing. Allele origin: germline. Inheritance: Autosomal recessive inheritance. Observed: 1 variant allele, 1 heterozygote.
Comment: This missense variant replaces glutamic acid with aspartic acid at codon 1086 of the ATP7B protein. Computational prediction suggests that this variant may not impact protein structure and function (internally defined REVEL score threshold <= 0.5, PMID: 27666373). To our knowledge, functional studies have not been reported for this variant. This variant has not been reported in individuals affected with ATP7B-related disorders in the literature. This variant has not been identified in the general population by the Genome Aggregation Database (gnomAD). The available evidence is insufficient to determine the role of this variant in disease conclusively. Therefore, this variant is classified as a Variant of Uncertain Significance.

This study involves interpretation of variants in research participants for the purpose of population health screening. Participant phenotype was not available at the time of variant classification. Additional details can be found in publication PMID: 35346344, PMCID: PMC8962531